The following is an entry in ClinVar:

NM_000444.6(PHEX):c.701A>G (p.Asp234Gly)

Gene: PHEX (phosphate regulating endopeptidase X-linked; plus strand). Cytogenetic location: Xp22.11.
Variant type: single nucleotide variant.
Coding change: c.701A>G on transcript NM_000444.6 (MANE Select); coding-DNA position 701, A replaced by G.
Protein change: p.Asp234Gly; replaces aspartic acid 234 with glycine.
Molecular consequence: missense variant.
Genome position (GRCh38, 1-based): chrX:22,090,466, A>G. VCF-style: chrX-22090466-A-G. GRCh37 (hg19) VCF-style: chrX-22108584-A-G.
Other names: c.701A>G, p.Asp234Gly (NM_001282754.2); short protein forms D234G.
Identifiers: ClinVar variation 1929759 (VCV001929759.5), dbSNP rs1929831487, ClinGen allele CA412572069.

ClinVar aggregate classification (germline): Uncertain significance (1 of 4 stars; one submission).

Allele frequency attached by ClinVar (database versions not stated): gnomAD exomes below 0.00001.
gnomAD v4.1: 4 of 1,208,230 alleles (0.00033%); highest among the groups gnomAD compares: Non-Finnish European, 0.00034%; no homozygotes.

Submission:

Labcorp Genetics (formerly Invitae), Labcorp
Classification: Uncertain significance. Last evaluated: 2023-10-04. Review status: criteria provided, single submitter. Criteria: Invitae Variant Classification Sherloc (09022015). Collection method: clinical testing. Allele origin: germline.
Comment: This sequence change replaces aspartic acid, which is acidic and polar, with glycine, which is neutral and non-polar, at codon 234 of the PHEX protein (p.Asp234Gly). This variant is not present in population databases (gnomAD no frequency). This variant has not been reported in the literature in individuals affected with PHEX-related conditions. ClinVar contains an entry for this variant (Variation ID: 1929759). Advanced modeling of protein sequence and biophysical properties (such as structural, functional, and spatial information, amino acid conservation, physicochemical variation, residue mobility, and thermodynamic stability) has been performed at Invitae for this missense variant, however the output from this modeling did not meet the statistical confidence thresholds required to predict the impact of this variant on PHEX protein function. In summary, the available evidence is currently insufficient to determine the role of this variant in disease. Therefore, it has been classified as a Variant of Uncertain Significance.